The following is an entry in ClinVar:

NM_004484.4(GPC3):c.108C>T (p.His36=)

Gene: GPC3 (glypican 3; minus strand). Cytogenetic location: Xq26.2.
Variant type: single nucleotide variant.
Coding change: c.108C>T on transcript NM_004484.4 (MANE Select); coding-DNA position 108, C replaced by T.
Protein change: p.His36=; no amino-acid change (histidine 36 retained).
Molecular consequence: synonymous variant.
Genome position (GRCh38, 1-based): chrX:133,985,342, G>A on the plus strand (C>T on the coding strand, the complement: GPC3 is on the minus strand). VCF-style: chrX-133985342-G-A. GRCh37 (hg19) VCF-style: chrX-133119369-G-A.
Other names: c.108C>T, p.His36= (NM_001164617.2, NM_001164618.2, NM_001164619.2).
Identifiers: ClinVar variation 4084774 (VCV004084774.8).

ClinVar aggregate classification (germline): Likely benign (1 of 4 stars; one submission).

Submission:

CeGaT Center for Human Genetics Tuebingen
Classification: Likely benign. Last evaluated: 2025-08-01. Review status: criteria provided, single submitter. Criteria: CeGaT Center For Human Genetics Tuebingen Variant Classification Criteria Version 2. Collection method: clinical testing. Allele origin: germline. Affected: yes. Observed: 1 variant allele.
Comment: GPC3: PM2:Supporting, BP4, BP7